The following is an entry in ClinVar:

NM_004984.4(KIF5A):c.2695C>A (p.Arg899Ser)

Gene: KIF5A (kinesin family member 5A; plus strand). Cytogenetic location: 12q13.3.
Variant type: single nucleotide variant.
Coding change: c.2695C>A on transcript NM_004984.4 (MANE Select); coding-DNA position 2695, C replaced by A.
Protein change: p.Arg899Ser; replaces arginine 899 with serine.
Molecular consequence: missense variant.
Genome position (GRCh38, 1-based): chr12:57,581,112, C>A. VCF-style: chr12-57581112-C-A. GRCh37 (hg19) VCF-style: chr12-57974895-C-A.
Other names: c.2428C>A, p.Arg810Ser (NM_001354705.2); short protein forms R899S, R810S.
Identifiers: ClinVar variation 1967956 (VCV001967956.5), dbSNP rs1882582077, ClinGen allele CA385515310.

ClinVar aggregate classification (germline): Uncertain significance (1 of 4 stars; one submission).

Conditions:
Spastic paraplegia. Identifiers: MedGen C0037772, HP:0001258.

gnomAD v4.1: 1 of 1,614,126 alleles (0.000062%); highest among the groups gnomAD compares: Non-Finnish European, 0.000085%; no homozygotes.

Submission:

Labcorp Genetics (formerly Invitae), Labcorp
Classification: Uncertain significance for Spastic paraplegia. Last evaluated: 2022-07-21. Review status: criteria provided, single submitter. Criteria: Invitae Variant Classification Sherloc (09022015). Collection method: clinical testing. Allele origin: germline.
Comment: In summary, the available evidence is currently insufficient to determine the role of this variant in disease. Therefore, it has been classified as a Variant of Uncertain Significance. Algorithms developed to predict the effect of missense changes on protein structure and function (SIFT, PolyPhen-2, Align-GVGD) all suggest that this variant is likely to be disruptive. This variant has not been reported in the literature in individuals affected with KIF5A-related conditions. This variant is not present in population databases (gnomAD no frequency). This sequence change replaces arginine, which is basic and polar, with serine, which is neutral and polar, at codon 899 of the KIF5A protein (p.Arg899Ser).